The following is an entry in ClinVar:

ClinVar aggregate classification (germline): Uncertain significance (1 of 4 stars; one submission).

Allele frequency attached by ClinVar (database versions not stated): gnomAD 0.00002; gnomAD exomes 0.00003; TOPMed 0.00003; ExAC 0.00005; ESP Exome Variant Server 0.00022.
gnomAD v4.1: 20 of 1,551,664 alleles (0.0013%); highest among the groups gnomAD compares: Non-Finnish European, 0.0017%; no homozygotes.

Submission:

Labcorp Genetics (formerly Invitae), Labcorp
Classification: Uncertain significance. Last evaluated: 2023-01-01. Review status: criteria provided, single submitter. Criteria: Invitae Variant Classification Sherloc (09022015). Collection method: clinical testing. Allele origin: germline.
Comment: In summary, the available evidence is currently insufficient to determine the role of this variant in disease. Therefore, it has been classified as a Variant of Uncertain Significance. Algorithms developed to predict the effect of missense changes on protein structure and function are either unavailable or do not agree on the potential impact of this missense change (SIFT: "Deleterious"; PolyPhen-2: "Benign"; Align-GVGD: "Class C0"). This variant has not been reported in the literature in individuals affected with WDR87-related conditions. This variant is present in population databases (rs369745776, gnomAD 0.004%). This sequence change replaces histidine, which is basic and polar, with asparagine, which is neutral and polar, at codon 1164 of the WDR87 protein (p.His1164Asn).

NM_001291088.2(WDR87):c.3607C>A (p.His1203Asn)

Gene: WDR87 (WD repeat domain 87; minus strand). Cytogenetic location: 19q13.13.
Variant type: single nucleotide variant.
Coding change: c.3607C>A on transcript NM_001291088.2 (MANE Select); coding-DNA position 3607, C replaced by A.
Protein change: p.His1203Asn; replaces histidine 1203 with asparagine.
Molecular consequence: missense variant.
Genome position (GRCh38, 1-based): chr19:37,890,064, G>T on the plus strand (C>A on the coding strand, the complement: WDR87 is on the minus strand). VCF-style: chr19-37890064-G-T. GRCh37 (hg19) VCF-style: chr19-38380704-G-T.
Other names: c.3490C>A, p.His1164Asn (NM_031951.5); short protein forms H1203N, H1164N.
Identifiers: ClinVar variation 2889003 (VCV002889003.3), dbSNP rs369745776, ClinGen allele CA9408707.